The following is an entry in ClinVar:

NM_001277313.2(FMN1):c.3001C>T (p.Pro1001Ser)

Gene: FMN1 (formin 1; minus strand). Cytogenetic location: 15q13.3.
Variant type: single nucleotide variant.
Coding change: c.3001C>T on transcript NM_001277313.2 (MANE Select); coding-DNA position 3001, C replaced by T.
Protein change: p.Pro1001Ser; replaces proline 1001 with serine.
Molecular consequence: missense variant.
Genome position (GRCh38, 1-based): chr15:32,964,244, G>A on the plus strand (C>T on the coding strand, the complement: FMN1 is on the minus strand). VCF-style: chr15-32964244-G-A. GRCh37 (hg19) VCF-style: chr15-33256445-G-A.
Other names: c.2332C>T, p.Pro778Ser (NM_001103184.4); short protein forms P778S, P1001S.
Identifiers: ClinVar variation 197717 (VCV000197717.15), dbSNP rs199592529, ClinGen allele CA214602.

ClinVar aggregate classification (germline): Benign/Likely benign. Review status: criteria provided, multiple submitters, no conflicts (2 of 4 stars). 4 submissions from 4 submitters: Benign (1); Likely benign (2). 1 of the submissions does not count toward it. Last evaluated 2025-08-25.

Conditions:
FMN1-related disorder. Also called: FMN1-related condition.

Allele frequency attached by ClinVar (database versions not stated): gnomAD exomes 0.00019 and 0.00049; ExAC 0.00062; 1000 Genomes Project 0.00140; 1000 Genomes Project 30x 0.00141; gnomAD 0.00194 and 0.00205; ESP Exome Variant Server 0.00204; TOPMed 0.00215.
gnomAD v4.1: 574 of 1,586,788 alleles (0.036%); highest among the groups gnomAD compares: African/African-American, 0.67%; 2 homozygotes.

Submissions (4):

Labcorp Genetics (formerly Invitae), Labcorp
Classification: Benign. Last evaluated: 2025-08-25. Review status: criteria provided, single submitter. Criteria: Invitae Variant Classification Sherloc (09022015). Collection method: clinical testing. Allele origin: germline.

Eurofins Ntd Llc (ga)
Classification: Likely benign. Last evaluated: 2015-03-11. Review status: criteria provided, single submitter. Criteria: EGL Classification Definitions 2015. Collection method: clinical testing. Allele origin: germline. Observed: 1 variant allele, 1 heterozygote.

Breakthrough Genomics
Classification: Likely benign. Review status: criteria provided, single submitter. Criteria: ACMG Guidelines, 2015. Collection method: not provided. Allele origin: germline. Inheritance: Unknown mechanism. Affected: yes.

PreventionGenetics, part of Exact Sciences
Classification: Likely benign for FMN1-related condition. Last evaluated: 2019-05-20. Review status: no assertion criteria provided. Collection method: clinical testing. Allele origin: germline. Not counted in ClinVar's aggregate classification.
Comment: This variant is classified as likely benign based on ACMG/AMP sequence variant interpretation guidelines (Richards et al. 2015 PMID: 25741868, with internal and published modifications).